The following is an entry in ClinVar:

NM_002496.4(NDUFS8):c.121A>C (p.Met41Leu)

Gene: NDUFS8 (NADH:ubiquinone oxidoreductase core subunit S8; plus strand). Cytogenetic location: 11q13.2.
Variant type: single nucleotide variant.
Coding change: c.121A>C on transcript NM_002496.4 (MANE Select); coding-DNA position 121, A replaced by C.
Protein change: p.Met41Leu; replaces methionine 41 with leucine.
Molecular consequence: missense variant.
Genome position (GRCh38, 1-based): chr11:68,032,934, A>C. VCF-style: chr11-68032934-A-C. GRCh37 (hg19) VCF-style: chr11-67800401-A-C.
Other names: short protein forms M41L.
Identifiers: ClinVar variation 3253380 (VCV003253380.3), dbSNP rs149590243.
Genomic context (GRCh38, chr11:68,032,934, plus strand): 5'-ACAGTGTGTGAGGCCTCTTGCCATGGCCTCCCTGCCCGCCTCTCTGCAGAGTATGTGAAC[A>C]TGCAGGATCCCGAGATGGACATGAAGTCAGTGACTGACCGGGCAGCCCGCACCCTGCTGT-3'
Protein context (NP_002487.1, residues 31-51): AVAATYKYVN[Met41Leu]QDPEMDMKSV

ClinVar aggregate classification (germline): Uncertain significance. Review status: criteria provided, multiple submitters, no conflicts (2 of 4 stars). 2 submissions from 2 submitters: Uncertain significance (2). Last evaluated 2024-06-17.

Allele frequency attached by ClinVar (database versions not stated): ExAC 0.00006; TOPMed 0.00006; gnomAD 0.00007; ESP Exome Variant Server 0.00023.

Submissions (2):

Labcorp Genetics (formerly Invitae), Labcorp
Classification: Uncertain significance. Last evaluated: 2024-06-17. Review status: criteria provided, single submitter. Criteria: Invitae Variant Classification Sherloc (09022015). Collection method: clinical testing. Allele origin: germline.
Comment: This sequence change replaces methionine, which is neutral and non-polar, with leucine, which is neutral and non-polar, at codon 41 of the NDUFS8 protein (p.Met41Leu). This variant is present in population databases (rs149590243, gnomAD 0.009%). This variant has not been reported in the literature in individuals affected with NDUFS8-related conditions. Algorithms developed to predict the effect of missense changes on protein structure and function output the following: SIFT: "Not Available"; PolyPhen-2: "Benign"; Align-GVGD: "Not Available". The leucine amino acid residue is found in multiple mammalian species, which suggests that this missense change does not adversely affect protein function. In summary, the available evidence is currently insufficient to determine the role of this variant in disease. Therefore, it has been classified as a Variant of Uncertain Significance.

GeneDx
Classification: Uncertain significance. Last evaluated: 2024-05-14. Review status: criteria provided, single submitter. Criteria: GeneDx Variant Classification Process June 2021. Collection method: clinical testing. Allele origin: germline. Affected: yes.
Comment: Not observed at significant frequency in large population cohorts (gnomAD); In silico analysis indicates that this missense variant does not alter protein structure/function; Has not been previously published as pathogenic or benign to our knowledge